The following is an entry in ClinVar:

NM_018943.3(TUBA8):c.555C>A (p.Tyr185Ter)

Gene: TUBA8 (tubulin alpha 8; plus strand). Cytogenetic location: 22q11.21.
Variant type: single nucleotide variant.
Coding change: c.555C>A on transcript NM_018943.3 (MANE Select); coding-DNA position 555, C replaced by A.
Protein change: p.Tyr185Ter; replaces tyrosine 185 with a stop codon.
Molecular consequence: nonsense.
Genome position (GRCh38, 1-based): chr22:18,126,533, C>A. VCF-style: chr22-18126533-C-A. GRCh37 (hg19) VCF-style: chr22-18609300-C-A.
Other names: c.357C>A, p.Tyr119Ter (NM_001193414.2); c.555C>A (NM_018943.2); short protein forms Y185*, Y119*.
Identifiers: ClinVar variation 4764481 (VCV004764481.2).

ClinVar aggregate classification (germline): Uncertain significance. Review status: criteria provided, multiple submitters, no conflicts (2 of 4 stars). 2 submissions from 2 submitters: Uncertain significance (2). Last evaluated 2026-08-04.

Conditions:
TUBA8-related disorder. Also called: TUBA8-related condition.

Submissions (2):

PreventionGenetics, part of Exact Sciences
Classification: Uncertain significance for TUBA8-related condition. Last evaluated: 2026-08-04. Review status: criteria provided, single submitter. Criteria: ACMG Guidelines, 2015. Collection method: clinical testing. Allele origin: germline.
Comment: The TUBA8 c.555C>A variant is predicted to result in premature protein termination (p.Tyr185*). To our knowledge, this variant has not been reported in the literature or in a large population database (gnomAD), indicating this variant is rare. Premature termination changes are not an established pathogenic variant type in this gene. At this time, the clinical significance of this variant is uncertain due to the absence of conclusive functional and genetic evidence.

Labcorp Genetics (formerly Invitae), Labcorp
Classification: Uncertain significance. Last evaluated: 2025-03-25. Review status: criteria provided, single submitter. Criteria: Invitae Variant Classification Sherloc (09022015). Collection method: clinical testing. Allele origin: germline.
Comment: This sequence change creates a premature translational stop signal (p.Tyr185*) in the TUBA8 gene. It is expected to result in an absent or disrupted protein product. However, the current clinical and genetic evidence is not sufficient to establish whether loss-of-function variants in TUBA8 cause disease. This variant is not present in population databases (gnomAD no frequency). This variant has not been reported in the literature in individuals affected with TUBA8-related conditions. In summary, the available evidence is currently insufficient to determine the role of this variant in disease. Therefore, it has been classified as a Variant of Uncertain Significance.